The following is an entry in ClinVar:

NM_022773.4(LMF1):c.1396A>T (p.Met466Leu)

Gene: LMF1 (lipase maturation factor 1; minus strand). Cytogenetic location: 16p13.3.
Variant type: single nucleotide variant.
Coding change: c.1396A>T on transcript NM_022773.4 (MANE Select); coding-DNA position 1396, A replaced by T.
Protein change: p.Met466Leu; replaces methionine 466 with leucine.
Molecular consequence: missense variant. On other transcripts: non-coding transcript variant (1), intron variant (1).
Genome position (GRCh38, 1-based): chr16:869,903, T>A on the plus strand (A>T on the coding strand, the complement: LMF1 is on the minus strand). VCF-style: chr16-869903-T-A. GRCh37 (hg19) VCF-style: chr16-919903-T-A.
Other names: c.745A>T, p.Met249Leu (NM_001352017.2, NM_001352021.2); c.997A>T, p.Met333Leu (NM_001352018.2); c.1069A>T, p.Met357Leu (NM_001352019.2); c.1336+60A>T (NM_001352020.1); short protein forms M333L, M466L, M249L, M357L.
Identifiers: ClinVar variation 1771644 (VCV001771644.2), dbSNP rs767509063, ClinGen allele CA7797046.

ClinVar aggregate classification (germline): Uncertain significance (1 of 4 stars; one submission).

Conditions:
Cardiovascular phenotype. Identifiers: MedGen CN230736.

Allele frequency attached by ClinVar (database versions not stated): ExAC 0.00002; TOPMed 0.00002; gnomAD 0.00003; gnomAD exomes 0.00012.
gnomAD v4.1: 176 of 1,612,442 alleles (0.011%); highest among the groups gnomAD compares: Non-Finnish European, 0.015%; no homozygotes.

Submission:

Ambry Genetics
Classification: Uncertain significance for Cardiovascular phenotype. Last evaluated: 2022-06-14. Review status: criteria provided, single submitter. Criteria: Ambry Variant Classification Scheme 2023. Collection method: clinical testing. Allele origin: germline.
Comment: The p.M466L variant (also known as c.1396A>T), located in coding exon 9 of the LMF1 gene, results from an A to T substitution at nucleotide position 1396. The methionine at codon 466 is replaced by leucine, an amino acid with highly similar properties. This amino acid position is conserved. In addition, the in silico prediction for this alteration is inconclusive. Since supporting evidence is limited at this time, the clinical significance of this alteration remains unclear.